The following is an entry in ClinVar:

NM_182961.4(SYNE1):c.25146C>T (p.Ser8382=)

Gene: SYNE1 (spectrin repeat containing nuclear envelope protein 1; minus strand). Cytogenetic location: 6q25.2.
Variant type: single nucleotide variant.
Coding change: c.25146C>T on transcript NM_182961.4 (MANE Select); coding-DNA position 25146, C replaced by T.
Protein change: p.Ser8382=; no amino-acid change (serine 8382 retained).
Molecular consequence: synonymous variant.
Genome position (GRCh38, 1-based): chr6:152,141,303, G>A on the plus strand (C>T on the coding strand, the complement: SYNE1 is on the minus strand). VCF-style: chr6-152141303-G-A. GRCh37 (hg19) VCF-style: chr6-152462438-G-A.
Other names: c.1752C>T, p.Ser584= (NM_001347701.2); c.1680C>T, p.Ser560= (NM_001347702.2); c.25002C>T, p.Ser8334= (NM_033071.5).
Identifiers: ClinVar variation 285986 (VCV000285986.25), dbSNP rs151034170, ClinGen allele CA4052916.

ClinVar aggregate classification (germline): Benign/Likely benign. Review status: criteria provided, multiple submitters, no conflicts (2 of 4 stars). 7 submissions from 6 submitters: Benign (5); Likely benign (2). Last evaluated 2026-01-19.

Conditions:
Emery-Dreifuss muscular dystrophy 4, autosomal dominant (EDMD4). Also called: EMERY-DREIFUSS MUSCULAR DYSTROPHY 4 WITH VARIABLE FEATURES. Identifiers: Orphanet 261, MedGen C2751807, MONDO:0013071, OMIM 612998.
Autosomal recessive ataxia, Beauce type. Also called: Spinocerebellar ataxia, autosomal recessive 8; SYNE1-Related Autosomal Recessive Cerebellar Ataxia; SYNE1 Deficiency; ATAXIA, RECESSIVE, OF BEAUCE. Identifiers: Orphanet 88644, MedGen C1853116, MONDO:0012549, OMIM 610743.
Arthrogryposis multiplex congenita 3, myogenic type. Also called: ARTHROGRYPOSIS MULTIPLEX CONGENITA, MYOGENIC TYPE. Identifiers: MedGen C5193121, MONDO:0032778, OMIM 618484.

Allele frequency attached by ClinVar (database versions not stated): gnomAD 0.00026 and 0.00034; gnomAD exomes 0.00030 and 0.00084; TOPMed 0.00034; ExAC 0.00085; 1000 Genomes Project 30x 0.00156; 1000 Genomes Project 0.00160.
gnomAD v4.1: 477 of 1,614,062 alleles (0.03%); highest among the groups gnomAD compares: East Asian, 1%; 3 homozygotes.

Submissions (7):

Labcorp Genetics (formerly Invitae), Labcorp
Classification: Benign for Emery-Dreifuss muscular dystrophy 4, autosomal dominant; Autosomal recessive ataxia, Beauce type. Last evaluated: 2026-01-19. Review status: criteria provided, single submitter. Criteria: Invitae Variant Classification Sherloc (09022015). Collection method: clinical testing. Allele origin: germline.

Blueprint Genetics
Classification: Likely benign. Last evaluated: 2024-11-07. Review status: criteria provided, single submitter. Criteria: ACMG Guidelines, 2015. Collection method: clinical testing. Allele origin: germline.

Athena Diagnostics
Classification: Benign. Last evaluated: 2024-07-31. Review status: criteria provided, single submitter. Criteria: Athena Diagnostics Criteria. Collection method: clinical testing. Allele origin: unknown.

Fulgent Genetics
Classification: Likely benign for Autosomal recessive ataxia, Beauce type; Emery-Dreifuss muscular dystrophy 4, autosomal dominant; Arthrogryposis multiplex congenita 3, myogenic type. Last evaluated: 2022-01-07. Review status: criteria provided, single submitter. Criteria: ACMG Guidelines, 2015. Collection method: clinical testing. Allele origin: unknown.

Illumina Laboratory Services, Illumina
Classification: Benign for Autosomal recessive ataxia, Beauce type. Last evaluated: 2018-01-13. Review status: criteria provided, single submitter. Criteria: ICSL Variant Classification Criteria 13 December 2019. Collection method: clinical testing. Allele origin: germline.
Comment: This variant was observed in the ICSL laboratory as part of a predisposition screen in an ostensibly healthy population. It had not been previously curated by ICSL or reported in the Human Gene Mutation Database (HGMD: prior to June 1st, 2018), and was therefore a candidate for classification through an automated scoring system. Utilizing variant allele frequency, disease prevalence and penetrance estimates, and inheritance mode, an automated score was calculated to assess if this variant is too frequent to cause the disease. Based on the score and internal cut-off values, a variant classified as benign is not then subjected to further curation. The score for this variant resulted in a classification of benign for this disease.

Illumina Laboratory Services, Illumina
Classification: Benign for Emery-Dreifuss muscular dystrophy 4, autosomal dominant. Last evaluated: 2018-01-13. Review status: criteria provided, single submitter. Criteria: ICSL Variant Classification Criteria 13 December 2019. Collection method: clinical testing. Allele origin: germline.
Comment: the same text as in the submission from Illumina Laboratory Services, Illumina above.

Eurofins Ntd Llc (ga)
Classification: Benign. Last evaluated: 2016-02-02. Review status: criteria provided, single submitter. Criteria: EGL Classification Definitions 2015. Collection method: clinical testing. Allele origin: germline. Observed: 1 variant allele, 1 heterozygote.